The following is an entry in ClinVar:

NM_000435.3(NOTCH3):c.2353C>T (p.Arg785Cys)

Gene: NOTCH3 (notch receptor 3; minus strand). Cytogenetic location: 19p13.12.
Variant type: single nucleotide variant.
Coding change: c.2353C>T on transcript NM_000435.3 (MANE Select); coding-DNA position 2353, C replaced by T.
Protein change: p.Arg785Cys; replaces arginine 785 with cysteine.
Molecular consequence: missense variant.
Genome position (GRCh38, 1-based): chr19:15,184,963, G>A on the plus strand (C>T on the coding strand, the complement: NOTCH3 is on the minus strand). VCF-style: chr19-15184963-G-A. GRCh37 (hg19) VCF-style: chr19-15295774-G-A.
Other names: c.2353C>T (NM_000435.2); short protein forms R785C.
Identifiers: ClinVar variation 1709940 (VCV001709940.16), dbSNP rs1289281166, ClinGen allele CA404520471.

ClinVar aggregate classification (germline): Conflicting classifications of pathogenicity. Review status: criteria provided, conflicting classifications (1 of 4 stars). 3 submissions from 3 submitters: Likely pathogenic (2); Uncertain significance (1). Last evaluated 2025-06-01.

Conditions:
Cerebral arteriopathy, autosomal dominant, with subcortical infarcts and leukoencephalopathy, type 1 (CADASIL1). Also called: DEMENTIA, HEREDITARY MULTIINFARCT TYPE; CADASIL 1; CASIL; Cerebral arteriopathy with subcortical infarcts and leukoencephalopathy 1. Identifiers: Orphanet 136, MedGen C4551768, MONDO:0000914, OMIM 125310.

Allele frequency attached by ClinVar (database versions not stated): gnomAD 0.00001; gnomAD exomes 0.00001.
gnomAD v4.1: 17 of 1,548,076 alleles (0.0011%); highest among the groups gnomAD compares: Non-Finnish European, 0.0015%; no homozygotes.

Submissions (3):

CeGaT Center for Human Genetics Tuebingen
Classification: Likely pathogenic. Last evaluated: 2025-06-01. Review status: criteria provided, single submitter. Criteria: CeGaT Center For Human Genetics Tuebingen Variant Classification Criteria Version 2. Collection method: clinical testing. Allele origin: germline. Affected: yes. Observed: 3 variant alleles.
Comment: NOTCH3: PM1:Strong, PS4:Moderate, PM2:Supporting

GeneDx
Classification: Uncertain significance. Last evaluated: 2025-01-13. Review status: criteria provided, single submitter. Criteria: GeneDx Variant Classification Process June 2021. Collection method: clinical testing. Allele origin: germline. Affected: yes.
Comment: Segregates with disease in two affected individuals from a single family in published literature; Not observed at significant frequency in large population cohorts (gnomAD); In silico analysis indicates that this missense variant does not alter protein structure/function; This variant is associated with the following publications: (PMID: 24844136, 30859180, 37479695, 35822697, 24816653)

MGZ Medical Genetics Center
Classification: Likely pathogenic for Cerebral arteriopathy, autosomal dominant, with subcortical infarcts and leukoencephalopathy, type 1. Last evaluated: 2021-08-03. Review status: criteria provided, single submitter. Criteria: ACMG Guidelines, 2015. Collection method: clinical testing. Allele origin: germline. Affected: yes. Observed: 1 variant allele.
Comment: ACMG criteria applied: PS4, PM1, PM2_SUP, PP1, PP3